The following is an entry in ClinVar:

NM_015386.3(COG4):c.1816G>C (p.Asp606His)

Gene: COG4 (component of oligomeric golgi complex 4; minus strand). Cytogenetic location: 16q22.1.
Variant type: single nucleotide variant.
Coding change: c.1816G>C on transcript NM_015386.3 (MANE Select); coding-DNA position 1816, G replaced by C.
Protein change: p.Asp606His; replaces aspartic acid 606 with histidine.
Molecular consequence: missense variant. On other transcripts: non-coding transcript variant (1).
Genome position (GRCh38, 1-based): chr16:70,483,864, C>G on the plus strand (G>C on the coding strand, the complement: COG4 is on the minus strand). VCF-style: chr16-70483864-C-G. GRCh37 (hg19) VCF-style: chr16-70517767-C-G.
Other names: c.1741G>C, p.Asp581His (NM_001195139.2); c.1390G>C, p.Asp464His (NM_001365426.1); short protein forms D464H, D581H, D606H.
Identifiers: ClinVar variation 1506269 (VCV001506269.6), dbSNP rs2151739637, ClinGen allele CA396580599.

ClinVar aggregate classification (germline): Uncertain significance (1 of 4 stars; one submission).

Conditions:
COG4-congenital disorder of glycosylation. Also called: CONGENITAL DISORDER OF GLYCOSYLATION, TYPE IIj; CDG IIj; COG4-CDG. Identifiers: Orphanet 263501, MedGen C4303552, MONDO:0013281, OMIM 613489.

Submission:

Labcorp Genetics (formerly Invitae), Labcorp
Classification: Uncertain significance for COG4-congenital disorder of glycosylation. Last evaluated: 2022-10-03. Review status: criteria provided, single submitter. Criteria: Invitae Variant Classification Sherloc (09022015). Collection method: clinical testing. Allele origin: germline.
Comment: In summary, the available evidence is currently insufficient to determine the role of this variant in disease. Therefore, it has been classified as a Variant of Uncertain Significance. Advanced modeling of protein sequence and biophysical properties (such as structural, functional, and spatial information, amino acid conservation, physicochemical variation, residue mobility, and thermodynamic stability) performed at Invitae indicates that this missense variant is not expected to disrupt COG4 protein function. ClinVar contains an entry for this variant (Variation ID: 1506269). This variant has not been reported in the literature in individuals affected with COG4-related conditions. This variant is not present in population databases (gnomAD no frequency). This sequence change replaces aspartic acid, which is acidic and polar, with histidine, which is basic and polar, at codon 606 of the COG4 protein (p.Asp606His).